The following is an entry in ClinVar:

ClinVar aggregate classification (germline): Uncertain significance. Review status: criteria provided, multiple submitters, no conflicts (2 of 4 stars). 6 submissions from 6 submitters: Uncertain significance (6). Last evaluated 2025-10-18.

Conditions:
Hereditary cancer-predisposing syndrome. Also called: Neoplastic Syndromes, Hereditary; Tumor predisposition; Hereditary Cancer Syndrome; Hereditary neoplastic syndrome. Identifiers: Orphanet 140162, MedGen C0027672, MeSH D009386, MONDO:0015356.
Colorectal cancer. Also called: Malignant Colorectal Neoplasm; Colorectal cancer, somatic. Identifiers: MedGen C0346629, MONDO:0005575, OMIM 114500.
Oligodontia-cancer predisposition syndrome. Also called: TOOTH AGENESIS-COLORECTAL CANCER SYNDROME. Identifiers: Orphanet 300576, MedGen C1837750, MONDO:0012075, OMIM 608615. Disease mechanism: loss of function.

Allele frequency attached by ClinVar (database versions not stated): gnomAD exomes below 0.00001; TOPMed 0.00002.
gnomAD v4.1: 17 of 1,586,242 alleles (0.0011%); highest among the groups gnomAD compares: Middle Eastern, 0.083%; no homozygotes.

Submissions (6):

Ambry Genetics
Classification: Uncertain significance for Hereditary cancer-predisposing syndrome. Last evaluated: 2025-10-18. Review status: criteria provided, single submitter. Criteria: Ambry Variant Classification Scheme 2023. Collection method: clinical testing. Allele origin: germline.

Quest Diagnostics Nichols Institute San Juan Capistrano
Classification: Uncertain significance. Last evaluated: 2025-09-24. Review status: criteria provided, single submitter. Criteria: Quest Diagnostics criteria. Collection method: clinical testing. Allele origin: unknown.
Comment: The AXIN2 c.1241G>A (p.Arg414Gln) variant has not been reported in individuals with AXIN2-related conditions in the published literature. The frequency of this variant in the general population (Genome Aggregation Database) is uninformative in the assessment of its pathogenicity. Analysis of this variant using bioinformatics tools for the prediction of the effect of amino acid changes on protein structure and function yielded predictions that this variant is benign. Additional analysis using software algorithms for the prediction of the effect of nucleotide changes on AXIN2 mRNA splicing yielded predictions that this variant may result in the gain of a cryptic splice site without affecting the natural splice sites. Based on the available information, we are unable to determine the clinical significance of this variant.

Center for Genomic Medicine, Rigshospitalet, Copenhagen University Hospital
Classification: Uncertain significance. Last evaluated: 2025-03-04. Review status: criteria provided, single submitter. Criteria: ACMG Guidelines, 2015. Collection method: clinical testing. Allele origin: germline.

Labcorp Genetics (formerly Invitae), Labcorp
Classification: Uncertain significance for Oligodontia-cancer predisposition syndrome. Last evaluated: 2024-07-31. Review status: criteria provided, single submitter. Criteria: Invitae Variant Classification Sherloc (09022015). Collection method: clinical testing. Allele origin: germline.
Comment: This sequence change replaces arginine, which is basic and polar, with glutamine, which is neutral and polar, at codon 414 of the AXIN2 protein (p.Arg414Gln). The frequency data for this variant in the population databases is considered unreliable, as metrics indicate poor data quality at this position in the gnomAD database. This variant has not been reported in the literature in individuals affected with AXIN2-related conditions. ClinVar contains an entry for this variant (Variation ID: 464528). An algorithm developed to predict the effect of missense changes on protein structure and function (PolyPhen-2) suggests that this variant¬†is likely to be tolerated. RNA analysis performed to evaluate the impact of this missense change on mRNA splicing indicates it does not significantly alter splicing (Invitae). In summary, the available evidence is currently insufficient to determine the role of this variant in disease. Therefore, it has been classified as a Variant of Uncertain Significance.

Baylor Genetics
Classification: Uncertain significance for Colorectal cancer. Last evaluated: 2023-12-19. Review status: criteria provided, single submitter. Criteria: ACMG Guidelines, 2015. Collection method: clinical testing. Allele origin: unknown.

GeneDx
Classification: Uncertain significance. Last evaluated: 2023-11-22. Review status: criteria provided, single submitter. Criteria: GeneDx Variant Classification Process June 2021. Collection method: clinical testing. Allele origin: germline. Affected: yes.
Comment: Not observed at significant frequency in large population cohorts (gnomAD); In silico analysis supports that this missense variant does not alter protein structure/function; Has not been previously published as pathogenic or benign to our knowledge; This variant is associated with the following publications: (PMID: 15735151)

NM_004655.4(AXIN2):c.1241G>A (p.Arg414Gln)

Gene: AXIN2 (axin 2; minus strand). Cytogenetic location: 17q24.1.
Variant type: single nucleotide variant.
Coding change: c.1241G>A on transcript NM_004655.4 (MANE Select); coding-DNA position 1241, G replaced by A.
Protein change: p.Arg414Gln; replaces arginine 414 with glutamine.
Molecular consequence: missense variant.
Genome position (GRCh38, 1-based): chr17:65,537,795, C>T on the plus strand (G>A on the coding strand, the complement: AXIN2 is on the minus strand). VCF-style: chr17-65537795-C-T. GRCh37 (hg19) VCF-style: chr17-63533913-C-T.
Other names: c.1241G>A (LRG_296t1); c.1241G>A, p.Arg414Gln (NM_001363813.1); short protein forms R414Q.
Identifiers: ClinVar variation 464528 (VCV000464528.19), dbSNP rs758255310, ClinGen allele CA8718705.